The following is an entry in ClinVar:

NM_000518.4(HBB):c.374C>A (p.Pro125Gln)

Genes: HBB (hemoglobin subunit beta; minus strand), LOC107133510 (origin of replication at HBB; plus strand), LOC110006319 (beta-globin gene 3' regulatory region; plus strand). Cytogenetic location: 11p15.4.
Variant type: single nucleotide variant.
Coding change: c.374C>A on transcript NM_000518.4; coding-DNA position 374, C replaced by A.
Protein change: p.Pro125Gln; replaces proline 125 with glutamine.
Molecular consequence: missense variant (on NM_000518.5).
Genome position (GRCh38, 1-based): chr11:5,225,668, G>T on the plus strand (C>A on the coding strand, the complement: HBB is on the minus strand). VCF-style: chr11-5225668-G-T. GRCh37 (hg19) VCF-style: chr11-5246898-G-T.
Other names: P124Q; c.374C>A, p.Pro125Gln (NM_000518.5); short protein forms P125Q.
Identifiers: ClinVar variation 15380 (VCV000015380.6), dbSNP rs33983276, ClinGen allele CA125219.

ClinVar aggregate classification (germline): Uncertain significance. Review status: criteria provided, single submitter (1 of 4 stars). 3 submissions from 2 submitters: Uncertain significance (1). 2 of the submissions do not count toward it. Last evaluated 2022-10-26.

Conditions:
Erythrocytosis, familial, 6. Also called: ERYTHROCYTOSIS, BETA-GLOBIN TYPE; POLYCYTHEMIA, BETA-GLOBIN TYPE. Identifiers: MedGen C4693822, MONDO:0054801, OMIM 617980.
HEMOGLOBIN TY GARD.

Allele frequency attached by ClinVar (database versions not stated): gnomAD exomes 0.00001.
gnomAD v4.1: 11 of 1,613,916 alleles (0.00068%); highest among the groups gnomAD compares: South Asian, 0.0022%; no homozygotes.

Submissions (3):

Quest Diagnostics Nichols Institute San Juan Capistrano
Classification: Uncertain significance. Last evaluated: 2022-10-26. Review status: criteria provided, single submitter. Criteria: Quest Diagnostics criteria. Collection method: clinical testing. Allele origin: unknown.
Comment: It has not been reported in large, multi-ethnic general populations. In the published literature, the variant has been reported in an individual with erythrocytosis and in an individual with normal hematologic findings whose Hb F was high (4.7%) and Hb A2 was normal (2.8%) (PMID: 31388287 (2019)). Functional studies have shown that the Hb Ty Gard variant has a normal Hb Bohr effect, normal cooperativity, increased oxygen affinity, and is relatively stable (PMID: 639985 (1978)). Analysis of this variant using bioinformatics tools for the prediction of the effect of amino acid changes on protein structure and function yielded predictions that this variant is damaging. Based on the available information, we are unable to determine the clinical significance of this variant.

OMIM
Classification: other for HEMOGLOBIN TY GARD. Last evaluated: 2017-12-12. Review status: no assertion criteria provided. Collection method: literature only. Allele origin: germline. Not counted in ClinVar's aggregate classification.

OMIM
Classification: Pathogenic for ERYTHROCYTOSIS 6. Last evaluated: 1978-04-01. Review status: no assertion criteria provided. Collection method: literature only. Allele origin: germline. Not counted in ClinVar's aggregate classification.

Literature cited by the submitters: PubMed 16987804 (cited by Quest Diagnostics Nichols Institute San Juan Capistrano); PubMed 31388287 (cited by Quest Diagnostics Nichols Institute San Juan Capistrano); PubMed 639985 (cited by Quest Diagnostics Nichols Institute San Juan Capistrano and OMIM); PubMed 19429541 (cited by Quest Diagnostics Nichols Institute San Juan Capistrano); PubMed 26635043 (cited by Quest Diagnostics Nichols Institute San Juan Capistrano).